The following is an entry in ClinVar:

NM_001077525.3(MTMR14):c.1390G>A (p.Ala464Thr)

Gene: MTMR14 (myotubularin related protein 14; plus strand). Cytogenetic location: 3p25.3.
Variant type: single nucleotide variant.
Coding change: c.1390G>A on transcript NM_001077525.3 (MANE Select); coding-DNA position 1390, G replaced by A.
Protein change: p.Ala464Thr; replaces alanine 464 with threonine.
Molecular consequence: missense variant.
Genome position (GRCh38, 1-based): chr3:9,689,039, G>A. VCF-style: chr3-9689039-G-A. GRCh37 (hg19) VCF-style: chr3-9730723-G-A.
Other names: c.1390G>A, p.Ala464Thr (NM_001077526.3, NM_022485.5); short protein forms A464T.
Identifiers: ClinVar variation 930442 (VCV000930442.9), dbSNP rs756932434, ClinGen allele CA2240745.

ClinVar aggregate classification (germline): Uncertain significance. Review status: criteria provided, multiple submitters, no conflicts (2 of 4 stars). 2 submissions from 2 submitters: Uncertain significance (2). Last evaluated 2021-09-15.

Conditions:
Autosomal dominant centronuclear myopathy. Also called: MYOTUBULAR MYOPATHY, AUTOSOMAL DOMINANT; Myopathy, centronuclear, 3. Identifiers: Orphanet 169189, MedGen C4551952, MeSH D020914, MONDO:0008048, OMIM 160150.

Allele frequency attached by ClinVar (database versions not stated): TOPMed below 0.00001; ExAC 0.00001; gnomAD exomes 0.00001.

Submissions (2):

Labcorp Genetics (formerly Invitae), Labcorp
Classification: Uncertain significance. Last evaluated: 2021-09-15. Review status: criteria provided, single submitter. Criteria: Invitae Variant Classification Sherloc (09022015). Collection method: clinical testing. Allele origin: germline.
Comment: This sequence change replaces alanine with threonine at codon 464 of the MTMR14 protein (p.Ala464Thr). The alanine residue is moderately conserved and there is a small physicochemical difference between alanine and threonine. In summary, the available evidence is currently insufficient to determine the role of this variant in disease. Therefore, it has been classified as a Variant of Uncertain Significance. Algorithms developed to predict the effect of missense changes on protein structure and function output the following: SIFT: "Tolerated"; PolyPhen-2: "Benign"; Align-GVGD: "Class C0". The threonine amino acid residue is found in multiple mammalian species, which suggests that this missense change does not adversely affect protein function. ClinVar contains an entry for this variant (Variation ID: 930442). This variant has not been reported in the literature in individuals affected with MTMR14-related conditions. This variant is present in population databases (rs756932434, ExAC 0.002%).

Centre for Mendelian Genomics, University Medical Centre Ljubljana
Classification: Uncertain significance for Autosomal dominant centronuclear myopathy. Last evaluated: 2019-06-21. Review status: criteria provided, single submitter. Criteria: ACMG Guidelines, 2015. Collection method: clinical testing. Allele origin: unknown. Affected: yes.
Comment: This variant was classified as: Uncertain significance. The available evidence on this variant's pathogenicity is insufficient or conflicting. The following ACMG criteria were applied in classifying this variant: BP4.